The following is an entry in ClinVar:

ClinVar aggregate classification (germline): Uncertain significance (1 of 4 stars; one submission).

Conditions:
Bardet-Biedl syndrome (BBS). Identifiers: Orphanet 110, MedGen C0752166, MONDO:0015229.

gnomAD v4.1: 17 of 1,614,244 alleles (0.0011%); highest among the groups gnomAD compares: Middle Eastern, 0.016%; no homozygotes.

Submission:

Labcorp Genetics (formerly Invitae), Labcorp
Classification: Uncertain significance for Bardet-Biedl syndrome. Last evaluated: 2023-11-28. Review status: criteria provided, single submitter. Criteria: Invitae Variant Classification Sherloc (09022015). Collection method: clinical testing. Allele origin: germline.
Comment: This sequence change replaces proline, which is neutral and non-polar, with threonine, which is neutral and polar, at codon 531 of the BBS1 protein (p.Pro531Thr). This variant is present in population databases (rs535565890, gnomAD 0.02%). This variant has not been reported in the literature in individuals affected with BBS1-related conditions. ClinVar contains an entry for this variant (Variation ID: 2157947). Advanced modeling of protein sequence and biophysical properties (such as structural, functional, and spatial information, amino acid conservation, physicochemical variation, residue mobility, and thermodynamic stability) performed at Invitae indicates that this missense variant is not expected to disrupt BBS1 protein function with a negative predictive value of 80%. In summary, the available evidence is currently insufficient to determine the role of this variant in disease. Therefore, it has been classified as a Variant of Uncertain Significance.

NM_024649.5(BBS1):c.1591C>A (p.Pro531Thr)

Genes: BBS1 (Bardet-Biedl syndrome 1; plus strand), ZDHHC24 (zDHHC palmitoyltransferase 24; minus strand). Cytogenetic location: 11q13.2.
Variant type: single nucleotide variant.
Coding change: c.1591C>A on transcript NM_024649.5 (MANE Select); coding-DNA position 1591, C replaced by A.
Protein change: p.Pro531Thr; replaces proline 531 with threonine.
Molecular consequence: missense variant. On other transcripts: intron variant (1).
Genome position (GRCh38, 1-based): chr11:66,531,011, C>A. VCF-style: chr11-66531011-C-A. GRCh37 (hg19) VCF-style: chr11-66298482-C-A.
Other names: c.560-1523G>T (NM_001348571.2); short protein forms P531T.
Identifiers: ClinVar variation 2157947 (VCV002157947.2), dbSNP rs535565890, ClinGen allele CA6123818.